The following is an entry in ClinVar:

ClinVar aggregate classification (germline): Pathogenic (1 of 4 stars; one submission).

Conditions:
Progressive muscular dystrophy. Identifiers: Orphanet 206644, MedGen C4551827, MONDO:0016106.

Submission:

Myriad Genetics, Inc.
Classification: Pathogenic for Progressive muscular dystrophy. Last evaluated: 2025-08-22. Review status: criteria provided, single submitter. Criteria: Myriad Autosomal Dominant, Autosomal Recessive and X-Linked Classification Criteria (2023). Collection method: clinical testing. Allele origin: unknown.
Comment: NM_004006.2(DMD):c.1853delG(G618Afs*14) is a frameshift variant classified as pathogenic in the context of dystrophinopathy (including Duchenne/Becker muscular dystrophy). G618Afs*14 has been observed in a case with relevant disease (PMID: 25972034). Relevant functional assessments of this variant are not available in the literature. G618Afs*14 has not been observed in referenced population frequency databases. In summary, NM_004006.2(DMD):c.1853delG(G618Afs*14) is a frameshift variant in a gene where loss of function is a known mechanism of disease, is predicted to disrupt protein function, and has been observed more frequently in cases with the relevant disease than in healthy populations. Please note: this variant was assessed in the context of healthy population screening.

Literature cited by the submitters: PubMed 25972034.

NM_004006.3(DMD):c.1853del (p.Gly618fs)

Gene: DMD (dystrophin; minus strand). Cytogenetic location: Xp21.1.
Variant type: Deletion.
Coding change: c.1853del on transcript NM_004006.3 (MANE Select); coding-DNA position 1853, one base deleted (G; older notation c.1853delG).
Protein change: p.Gly618fs; shifts the reading frame from glycine 618.
Molecular consequence: frameshift variant.
Genome position (GRCh38, 1-based): chrX:32,565,841, C deleted on the plus strand (G on the coding strand, the reverse complement: DMD is on the minus strand); the first of 3 consecutive C bases (chrX:32,565,841-32,565,843); deleting any one gives the same sequence. VCF-style (leftmost placement, unchanged base first): chrX-32565840-GC-G. GRCh37 (hg19) VCF-style: chrX-32583957-GC-G.
Other names: c.1829del, p.Gly610fs (NM_000109.4); c.1841del, p.Gly614fs (NM_004009.3); c.1484del, p.Gly495fs (NM_004010.3); short protein forms G495fs, G610fs, G614fs, G618fs.
Identifiers: ClinVar variation 5003301 (VCV005003301.1).
Genomic context (GRCh38, chrX:32,565,840, plus strand): 5'-CTGGGTCACTGACTTATTCTTCAGTGTTGAAAGAAGATCTTGTTTGAGTGAATACAGTTT[GC>G]CCATGGATTGCTTTTTCTTTTCTAGATCCGCTTTTAAAACCTGTTAAAACAAGAAAGATC-3'